The following is an entry in ClinVar:

NM_019842.4(KCNQ5):c.733A>G (p.Met245Val)

Gene: KCNQ5 (potassium voltage-gated channel subfamily Q member 5; plus strand). Cytogenetic location: 6q13.
Variant type: single nucleotide variant.
Coding change: c.733A>G on transcript NM_019842.4 (MANE Select); coding-DNA position 733, A replaced by G.
Protein change: p.Met245Val; replaces methionine 245 with valine.
Molecular consequence: missense variant.
Genome position (GRCh38, 1-based): chr6:73,077,438, A>G. VCF-style: chr6-73077438-A-G. GRCh37 (hg19) VCF-style: chr6-73787161-A-G.
Other names: c.733A>G, p.Met245Val (NM_001160130.2, NM_001160132.2, NM_001160133.2 and 1 more transcripts); short protein forms M245V.
Identifiers: ClinVar variation 3389786 (VCV003389786.14).

ClinVar aggregate classification (germline): Uncertain significance (1 of 4 stars; one submission).

gnomAD v4.1: 1 of 1,614,178 alleles (0.000062%); no homozygotes.

Submission:

CeGaT Center for Human Genetics Tuebingen
Classification: Uncertain significance. Last evaluated: 2024-09-01. Review status: criteria provided, single submitter. Criteria: CeGaT Center For Human Genetics Tuebingen Variant Classification Criteria Version 2. Collection method: clinical testing. Allele origin: germline. Affected: yes. Observed: 1 variant allele.
Comment: KCNQ5: PM2:Supporting, PP2, PP3